The following is an entry in ClinVar:

NM_000166.6(GJB1):c.2T>C (p.Met1Thr)

Gene: GJB1 (gap junction protein beta 1; plus strand). Cytogenetic location: Xq13.1.
Variant type: single nucleotide variant.
Coding change: c.2T>C on transcript NM_000166.6 (MANE Select); coding-DNA position 2, T replaced by C.
Protein change: p.Met1Thr; changes the start codon (methionine 1).
Molecular consequence: missense variant, initiator codon variant.
Genome position (GRCh38, 1-based): chrX:71,223,709, T>C. VCF-style: chrX-71223709-T-C. GRCh37 (hg19) VCF-style: chrX-70443559-T-C.
Other names: c.2T>C, p.Met1Thr (NM_001097642.3); short protein forms M1T.
Identifiers: ClinVar variation 1074879 (VCV001074879.9), dbSNP rs1602348519, ClinGen allele CA413499250.

ClinVar aggregate classification (germline): Pathogenic (1 of 4 stars; one submission).

Conditions:
Charcot-Marie-Tooth Neuropathy X. Identifiers: MedGen CN118851.

Submission:

Labcorp Genetics (formerly Invitae), Labcorp
Classification: Pathogenic for Charcot-Marie-Tooth Neuropathy X. Last evaluated: 2020-11-06. Review status: criteria provided, single submitter. Criteria: Invitae Variant Classification Sherloc (09022015). Collection method: clinical testing. Allele origin: germline.
Comment: This variant is not present in population databases (ExAC no frequency). This sequence change affects the initiator methionine of the GJB1 mRNA. The next in-frame methionine is located at codon 34. Disruption of the initiator codon has been observed in individual(s) with GJB1-related conditions (PMID: 24958582, 20039784, 25771809, Invitae). It has also been observed to segregate with disease in related individuals. For these reasons, this variant has been classified as Pathogenic. Disruption of the initiator codon has been reported to affect GJB1 protein function (PMID: 25771809).

Literature cited by the submitters: PubMed 24958582; PubMed 20039784; PubMed 25771809.